The following is an entry in ClinVar:

NM_025099.6(CTC1):c.1679A>G (p.Gln560Arg)

Gene: CTC1 (CST telomere replication complex component 1; minus strand). Cytogenetic location: 17p13.1.
Variant type: single nucleotide variant.
Coding change: c.1679A>G on transcript NM_025099.6 (MANE Select); coding-DNA position 1679, A replaced by G.
Protein change: p.Gln560Arg; replaces glutamine 560 with arginine.
Molecular consequence: missense variant. On other transcripts: non-coding transcript variant (1).
Genome position (GRCh38, 1-based): chr17:8,234,594, T>C on the plus strand (A>G on the coding strand, the complement: CTC1 is on the minus strand). VCF-style: chr17-8234594-T-C. GRCh37 (hg19) VCF-style: chr17-8137912-T-C.
Other names: c.1679A>G, p.Gln560Arg (NM_001411067.1); short protein forms Q560R.
Identifiers: ClinVar variation 2736439 (VCV002736439.2), dbSNP rs934656702, ClinGen allele CA287535708.

ClinVar aggregate classification (germline): Uncertain significance. Review status: criteria provided, multiple submitters, no conflicts (2 of 4 stars). 2 submissions from 2 submitters: Uncertain significance (2). Last evaluated 2024-05-23.

Conditions:
Cerebroretinal microangiopathy with calcifications and cysts 1 (CRMCC1). Identifiers: Orphanet 313838, MedGen C4552029, MONDO:0024564, OMIM 612199.
Dyskeratosis congenita. Identifiers: Orphanet 1775, MedGen C0265965, MONDO:0015780.

Allele frequency attached by ClinVar (database versions not stated): gnomAD exomes below 0.00001; gnomAD 0.00001; TOPMed 0.00002.
gnomAD v4.1: 3 of 1,611,326 alleles (0.00019%); highest among the groups gnomAD compares: African/African-American, 0.0027%; no homozygotes.

Submissions (2):

Fulgent Genetics
Classification: Uncertain significance for Cerebroretinal microangiopathy with calcifications and cysts 1. Last evaluated: 2024-05-23. Review status: criteria provided, single submitter. Criteria: ACMG Guidelines, 2015. Collection method: clinical testing. Allele origin: germline.

Labcorp Genetics (formerly Invitae), Labcorp
Classification: Uncertain significance for Dyskeratosis congenita. Last evaluated: 2023-03-07. Review status: criteria provided, single submitter. Criteria: Invitae Variant Classification Sherloc (09022015). Collection method: clinical testing. Allele origin: germline.
Comment: In summary, the available evidence is currently insufficient to determine the role of this variant in disease. Therefore, it has been classified as a Variant of Uncertain Significance. Advanced modeling of protein sequence and biophysical properties (such as structural, functional, and spatial information, amino acid conservation, physicochemical variation, residue mobility, and thermodynamic stability) performed at Invitae indicates that this missense variant is not expected to disrupt CTC1 protein function. This variant has not been reported in the literature in individuals affected with CTC1-related conditions. This variant is present in population databases (no rsID available, gnomAD 0.01%). This sequence change replaces glutamine, which is neutral and polar, with arginine, which is basic and polar, at codon 560 of the CTC1 protein (p.Gln560Arg).